The following is an entry in ClinVar:

ClinVar aggregate classification (germline): Likely benign (0 of 4 stars; one submission).

Submission:

Department of Pathology and Laboratory Medicine, Sinai Health System
Classification: Likely benign. Review status: no assertion criteria provided. Collection method: clinical testing. Allele origin: unknown. Affected: yes. Study: The Canadian Open Genetics Repository (COGR).
Comment: The HOXA13 p.Ala43_Ala51del variant was not identified in the literature nor was it identified in ClinVar, Cosmic or LOVD 3.0. The variant was identified in dbSNP (ID: rs777882526) and was also found in control databases in 4 of 69164 chromosomes at a frequency of 0.000058 (Genome Aggregation Database Feb 27, 2017). The variant was observed in the following populations: European (Non-Finnish) in 3 of 26226 chromosomes (freq: 0.000114), South Asian in 1 of 13894 chromosomes (freq: 0.000072), while the variant was not observed in the African, Ashkenazi Jewish, East Asian, European (Finnish), Latino, and Other populations. This variant is an in-frame deletion resulting in the removal of alanine (Ala) residues between codons 43 and 51 in a repeat region; the impact of this alteration on HOXA13 protein function is not known. In summary, based on the above information the clinical significance of this variant cannot be determined with certainty at this time although we would lean towards a more benign role for this variant. This variant is classified as likely benign.

NM_000522.5(HOXA13):c.126_152del (p.Ala43_Ala51del)

Genes: HOXA13 (homeobox A13; minus strand), LOC107126288 (NUP98-HOXA13 recombination region; plus strand). Cytogenetic location: 7p15.2.
Variant type: Deletion.
Coding change: c.126_152del on transcript NM_000522.5 (MANE Select); coding-DNA positions 126 to 152, 27 bases deleted (AGCAGCGGCTGCAGCGGCGGCGGCTGC).
Protein change: p.Ala43_Ala51del.
Molecular consequence: inframe deletion.
Genome position (GRCh38, 1-based): chr7:27,199,926-27,199,952, GCAGCCGCCGCCGCTGCAGCCGCTGCT deleted on the plus strand (AGCAGCGGCTGCAGCGGCGGCGGCTGC on the coding strand, the reverse complement: HOXA13 is on the minus strand); deleting any 27 consecutive bases within chr7:27,199,926-27,199,966 gives the same sequence; the c. name uses the placement nearest the transcript's 3' end. VCF-style (leftmost placement, unchanged base first): chr7-27199925-GGCAGCCGCCGCCGCTGCAGCCGCTGCT-G. GRCh37 (hg19) VCF-style: chr7-27239544-GGCAGCCGCCGCCGCTGCAGCCGCTGCT-G.
Identifiers: ClinVar variation 1049029 (VCV001049029.1), dbSNP rs777882526, ClinGen allele CA4198699.